The following is an entry in ClinVar:

NM_000474.4(TWIST1):c.419C>A (p.Ser140Ter)

Gene: TWIST1 (twist family bHLH transcription factor 1; minus strand). Cytogenetic location: 7p21.1.
Variant type: single nucleotide variant.
Coding change: c.419C>A on transcript NM_000474.4 (MANE Select); coding-DNA position 419, C replaced by A.
Protein change: p.Ser140Ter; replaces serine 140 with a stop codon.
Molecular consequence: nonsense. On other transcripts: non-coding transcript variant (1).
Genome position (GRCh38, 1-based): chr7:19,116,903, G>T on the plus strand (C>A on the coding strand, the complement: TWIST1 is on the minus strand). VCF-style: chr7-19116903-G-T. GRCh37 (hg19) VCF-style: chr7-19156526-G-T.
Other names: short protein forms S140*.
Identifiers: ClinVar variation 489149 (VCV000489149.2), dbSNP rs1554441987, ClinGen allele CA367015482.

ClinVar aggregate classification (germline): Pathogenic (1 of 4 stars; one submission).

Submission:

GeneDx
Classification: Pathogenic. Last evaluated: 2017-11-29. Review status: criteria provided, single submitter. Criteria: GeneDx Variant Classification (06012015). Collection method: clinical testing. Allele origin: germline. Affected: yes.
Comment: The S140X variant in the TWIST1 gene has not been reported previously as a pathogenic variant nor as a benign variant, to our knowledge. This variant is predicted to cause loss of normal protein function either through protein truncation or nonsense-mediated mRNA decay. The S140X variant is not observed in large population cohorts (Lek et al., 2016). We interpret S140X as a pathogenic variant.